The following is an entry in ClinVar:

NM_014991.6(WDFY3):c.8549T>G (p.Phe2850Cys)

Gene: WDFY3 (WD repeat and FYVE domain containing 3; minus strand). Cytogenetic location: 4q21.23.
Variant type: single nucleotide variant.
Coding change: c.8549T>G on transcript NM_014991.6 (MANE Select); coding-DNA position 8549, T replaced by G.
Protein change: p.Phe2850Cys; replaces phenylalanine 2850 with cysteine.
Molecular consequence: missense variant.
Genome position (GRCh38, 1-based): chr4:84,702,400, A>C on the plus strand (T>G on the coding strand, the complement: WDFY3 is on the minus strand). VCF-style: chr4-84702400-A-C. GRCh37 (hg19) VCF-style: chr4-85623553-A-C.
Other names: short protein forms F2850C.
Identifiers: ClinVar variation 4880961 (VCV004880961.2).

ClinVar aggregate classification (germline): Uncertain significance (1 of 4 stars; one submission).

Conditions:
Complex neurodevelopmental disorder. Identifiers: Orphanet 528084, MedGen C5568766, MONDO:0100038.

Submission:

Dasa
Classification: Uncertain significance for Complex neurodevelopmental disorder. Last evaluated: 2026-02-22. Review status: criteria provided, single submitter. Criteria: DASA Assertion Criteria. Collection method: clinical testing. Allele origin: germline.
Comment: NM_014991.6(WDFY3):c.8549T>G (p.Phe2850Cys) is a missense variant that results in the substitution of phenylalanine with cysteine. Published studies describe this variant in association with related phenotype (PMID: 31327001). Also, this variant is absent from population databases. Computational prediction algorithms are consistent with a deleterious effect. The currently available literature and clinical evidence are not sufficient to establish a definitive association between this variant and the reported condition. Therefore, this variant is classified as a variant of uncertain significance.

Literature cited by the submitters: PubMed 31327001.